The following is an entry in ClinVar:

ClinVar aggregate classification (germline): Uncertain significance (0 of 4 stars; one submission).

Conditions:
MLH3-related disorder. Also called: MLH3-related condition.

Submission:

PreventionGenetics, part of Exact Sciences
Classification: Uncertain significance for MLH3-related condition. Last evaluated: 2024-04-25. Review status: no assertion criteria provided. Collection method: clinical testing. Allele origin: germline.
Comment: The MLH3 c.2386A>G variant is predicted to result in the amino acid substitution p.Asn796Asp. To our knowledge, this variant has not been reported in the literature or in a large population database, indicating this variant is rare. At this time, the clinical significance of this variant is uncertain due to the absence of conclusive functional and genetic evidence.

NM_001040108.2(MLH3):c.2386A>G (p.Asn796Asp)

Gene: MLH3 (mutL homolog 3; minus strand). Cytogenetic location: 14q24.3.
Variant type: single nucleotide variant.
Coding change: c.2386A>G on transcript NM_001040108.2 (MANE Select); coding-DNA position 2386, A replaced by G.
Protein change: p.Asn796Asp; replaces asparagine 796 with aspartic acid.
Molecular consequence: missense variant.
Genome position (GRCh38, 1-based): chr14:75,047,270, T>C on the plus strand (A>G on the coding strand, the complement: MLH3 is on the minus strand). VCF-style: chr14-75047270-T-C. GRCh37 (hg19) VCF-style: chr14-75513973-T-C.
Other names: c.2386A>G, p.Asn796Asp (NM_014381.3); short protein forms N796D.
Identifiers: ClinVar variation 3346755 (VCV003346755.1).
Genomic context (GRCh38, chr14:75,047,270, plus strand): 5'-TATCTGAATCACTATGCTCCATAGTAGTGATTTTACAAACATCAGAGTTCTCTAAGCGGT[T>C]CTTGTCCTTCAGCAGAATGTCAGGTTCAACTTGAAGACTGAGATTGGTAGTGACTCCATT-3'
Protein context (NP_001035197.1, residues 786-806): VEPDILLKDK[Asn796Asp]RLENSDVCKI